The following is an entry in ClinVar:

NM_080680.3(COL11A2):c.798+56C>G

Gene: COL11A2 (collagen type XI alpha 2 chain; minus strand). Cytogenetic location: 6p21.32.
Variant type: single nucleotide variant.
Coding change: c.798+56C>G on transcript NM_080680.3 (MANE Select); 56 bases into the intron after coding-DNA position 798, C replaced by G.
Molecular consequence: intron variant. On other transcripts: missense variant (1).
Genome position (GRCh38, 1-based): chr6:33,186,571, G>C on the plus strand (C>G on the coding strand, the complement: COL11A2 is on the minus strand). VCF-style: chr6-33186571-G-C. GRCh37 (hg19) VCF-style: chr6-33154348-G-C.
Other names: c.854C>G, p.Pro285Arg (NM_001163771.2); c.798+56C>G (NM_080679.3, NM_080681.3); short protein forms P285R.
Identifiers: ClinVar variation 1342093 (VCV001342093.2), dbSNP rs2150612103, ClinGen allele CA363609825.

ClinVar aggregate classification (germline): Uncertain significance (1 of 4 stars; one submission).

Submission:

GeneDx
Classification: Uncertain significance. Last evaluated: 2022-02-07. Review status: criteria provided, single submitter. Criteria: GeneDx Variant Classification Process June 2021. Collection method: clinical testing. Allele origin: germline. Affected: yes.
Comment: In silico analysis supports that this missense variant does not alter protein structure/function; Has not been previously published as pathogenic or benign to our knowledge; Not observed at significant frequency in large population cohorts (gnomAD)